The following is an entry in ClinVar:

NM_015662.3(IFT172):c.4519C>T (p.Arg1507Ter)

Gene: IFT172 (intraflagellar transport 172; minus strand). Cytogenetic location: 2p23.3.
Variant type: single nucleotide variant.
Coding change: c.4519C>T on transcript NM_015662.3 (MANE Select); coding-DNA position 4519, C replaced by T.
Protein change: p.Arg1507Ter; replaces arginine 1507 with a stop codon.
Molecular consequence: nonsense.
Genome position (GRCh38, 1-based): chr2:27,447,832, G>A on the plus strand (C>T on the coding strand, the complement: IFT172 is on the minus strand). VCF-style: chr2-27447832-G-A. GRCh37 (hg19) VCF-style: chr2-27670699-G-A.
Other names: c.4519C>T (NM_015662.2); short protein forms R1507*.
Identifiers: ClinVar variation 1394651 (VCV001394651.9), dbSNP rs150246251, ClinGen allele CA1579588.

ClinVar aggregate classification (germline): Pathogenic/Likely pathogenic. Review status: criteria provided, multiple submitters, no conflicts (2 of 4 stars). 4 submissions from 4 submitters: Pathogenic (1); Likely pathogenic (2). 1 of the submissions does not count toward it. Last evaluated 2024-04-15.

Conditions:
Short-rib thoracic dysplasia 10 with or without polydactyly (SRTD10). Identifiers: Orphanet 474, MedGen C3810175, MONDO:0014284, OMIM 615630.
Bardet-Biedl syndrome 20. Identifiers: MedGen C4310707, MONDO:0023670, OMIM 619471, MONDO:0014926.
Retinitis pigmentosa 71 (RP71). Identifiers: Orphanet 791, MedGen C4225342, MONDO:0014618, OMIM 616394.
IFT172-related disorder. Also called: IFT172-related disorders; IFT172-related condition.

Allele frequency attached by ClinVar (database versions not stated): gnomAD 0.00001; gnomAD exomes 0.00001; ExAC 0.00002; TOPMed 0.00005; ESP Exome Variant Server 0.00015.
gnomAD v4.1: 6 of 1,612,946 alleles (0.00037%); highest among the groups gnomAD compares: African/African-American, 0.0053%; no homozygotes.

Submissions (4):

Labcorp Genetics (formerly Invitae), Labcorp
Classification: Pathogenic for Retinitis pigmentosa 71; Short-rib thoracic dysplasia 10 with or without polydactyly. Last evaluated: 2024-04-15. Review status: criteria provided, single submitter. Criteria: Invitae Variant Classification Sherloc (09022015). Collection method: clinical testing. Allele origin: germline.
Comment: This sequence change creates a premature translational stop signal (p.Arg1507*) in the IFT172 gene. It is expected to result in an absent or disrupted protein product. Loss-of-function variants in IFT172 are known to be pathogenic (PMID: 24140113). This variant is present in population databases (rs150246251, gnomAD 0.01%). This variant has not been reported in the literature in individuals affected with IFT172-related conditions. ClinVar contains an entry for this variant (Variation ID: 1394651). Algorithms developed to predict the effect of sequence changes on RNA splicing suggest that this variant may disrupt the consensus splice site. For these reasons, this variant has been classified as Pathogenic.

Fulgent Genetics
Classification: Likely pathogenic for Short-rib thoracic dysplasia 10 with or without polydactyly; Retinitis pigmentosa 71; Bardet-Biedl syndrome 20. Last evaluated: 2022-01-10. Review status: criteria provided, single submitter. Criteria: ACMG Guidelines, 2015. Collection method: clinical testing. Allele origin: unknown.

Blueprint Genetics
Classification: Likely pathogenic for IFT172-related disorders. Last evaluated: 2017-09-26. Review status: criteria provided, single submitter. Criteria: ACMG Guidelines, 2015. Collection method: clinical testing. Allele origin: germline. Affected: yes. Observed: 1 variant allele.

PreventionGenetics, part of Exact Sciences
Classification: Likely pathogenic for IFT172-related condition. Last evaluated: 2024-08-08. Review status: no assertion criteria provided. Collection method: clinical testing. Allele origin: germline. Not counted in ClinVar's aggregate classification.
Comment: The IFT172 c.4519C>T variant is predicted to result in premature protein termination (p.Arg1507*). To our knowledge, this variant has not been reported in the literature in patients with IFT172-related disorders. This variant is reported in 0.012% of alleles in individuals of African descent in gnomAD. Nonsense variants in IFT172 are expected to be pathogenic. This variant is interpreted as likely pathogenic.

Literature cited by the submitters: PubMed 24140113 (cited by Labcorp Genetics (formerly Invitae), Labcorp).